The following is an entry in ClinVar:

ClinVar aggregate classification (germline): Uncertain significance (0 of 4 stars; one submission).

Conditions:
ALMS1-related disorder. Also called: ALMS1-related condition.

gnomAD v4.1: 2 of 1,614,192 alleles (0.00012%); highest among the groups gnomAD compares: South Asian, 0.0011%; no homozygotes.

Submission:

PreventionGenetics, part of Exact Sciences
Classification: Uncertain significance for ALMS1-related condition. Last evaluated: 2024-07-22. Review status: no assertion criteria provided. Collection method: clinical testing. Allele origin: germline.
Comment: The ALMS1 c.9977C>T variant is predicted to result in the amino acid substitution p.Thr3326Ile. To our knowledge, this variant has not been reported in the literature. This variant is reported in 0.051% of alleles in individuals of East Asian descent in gnomAD. Although we suspect that this variant may be benign, at this time, the clinical significance of this variant is uncertain due to the absence of conclusive functional and genetic evidence.

NM_001378454.1(ALMS1):c.9974C>T (p.Ser3325Leu)

Gene: ALMS1 (ALMS1 centrosome and basal body associated protein; plus strand). Cytogenetic location: 2p13.1.
Variant type: single nucleotide variant.
Coding change: c.9974C>T on transcript NM_001378454.1 (MANE Select); coding-DNA position 9974, C replaced by T.
Protein change: p.Ser3325Leu; replaces serine 3325 with leucine.
Molecular consequence: missense variant.
Genome position (GRCh38, 1-based): chr2:73,550,333, C>T. VCF-style: chr2-73550333-C-T. GRCh37 (hg19) VCF-style: chr2-73777460-C-T.
Other names: c.9977C>T, p.Ser3326Leu (NM_015120.4); short protein forms S3325L, S3326L.
Identifiers: ClinVar variation 3352446 (VCV003352446.1).
Genomic context (GRCh38, chr2:73,550,333, plus strand): 5'-ATGATGCCATTGCTCCAGACTTCCCAGCTCAGGTGCTAGGCACAAGAGATGATGACCTCT[C>T]AGCCACTGTTAACATTAAACATAAAGAAGGAATCTACAGTAAGAGGGTAGTGACTAAGGC-3'
Protein context (NP_001365383.1, residues 3315-3335): QVLGTRDDDL[Ser3325Leu]ATVNIKHKEG